The following is an entry in ClinVar:

ClinVar aggregate classification (germline): Uncertain significance (1 of 4 stars; one submission).

Submission:

Labcorp Genetics (formerly Invitae), Labcorp
Classification: Uncertain significance. Last evaluated: 2022-08-22. Review status: criteria provided, single submitter. Criteria: Invitae Variant Classification Sherloc (09022015). Collection method: clinical testing. Allele origin: germline.
Comment: In summary, the available evidence is currently insufficient to determine the role of this variant in disease. Therefore, it has been classified as a Variant of Uncertain Significance. This variant has not been reported in the literature in individuals affected with TCF20-related conditions. This variant is present in population databases (rs749109754, gnomAD 0.003%). This variant, c.162_167dup, results in the insertion of 2 amino acid(s) of the TCF20 protein (p.Ser55_Gly56dup), but otherwise preserves the integrity of the reading frame.

NM_001378418.1(TCF20):c.150CAGTGG[4] (p.Gly56_Gly57insSerGly)

Gene: TCF20 (transcription factor 20; minus strand). Cytogenetic location: 22q13.2.
Variant type: Microsatellite.
Coding change: c.150CAGTGG[4] on transcript NM_001378418.1 (MANE Select); four copies in a row of the 6-base unit CAGTGG starting at c.150; the reference has three copies in a row; one copy, 6 bases duplicated.
Protein change: p.Gly56_Gly57insSerGly.
Molecular consequence: inframe insertion.
Genome position (GRCh38, 1-based): chr22:42,215,139-42,215,144, CCACTG duplicated on the plus strand (CAGTGG on the coding strand, the reverse complement: TCF20 is on the minus strand); duplicating any 6 consecutive bases within chr22:42,215,139-42,215,157 gives the same sequence; the position shown is the placement nearest the transcript's 3' end. VCF-style (leftmost placement, unchanged base first): chr22-42215138-A-ACCACTG. GRCh37 (hg19) VCF-style: chr22-42611144-A-ACCACTG.
Other names: c.150CAGTGG[4], p.Gly56_Gly57insSerGly (NM_005650.4, NM_181492.3).
Identifiers: ClinVar variation 2038112 (VCV002038112.4), dbSNP rs541147459, ClinGen allele CA10267424.